The following is an entry in ClinVar:

NM_004750.5(CRLF1):c.776C>A (p.Ser259Ter)

Genes: CRLF1 (cytokine receptor like factor 1; minus strand), LOC112543470 (Sharpr-MPRA regulatory region 11645; plus strand). Cytogenetic location: 19p13.11.
Variant type: single nucleotide variant.
Coding change: c.776C>A on transcript NM_004750.5 (MANE Select); coding-DNA position 776, C replaced by A.
Protein change: p.Ser259Ter; replaces serine 259 with a stop codon.
Molecular consequence: nonsense.
Genome position (GRCh38, 1-based): chr19:18,596,971, G>T on the plus strand (C>A on the coding strand, the complement: CRLF1 is on the minus strand). VCF-style: chr19-18596971-G-T. GRCh37 (hg19) VCF-style: chr19-18707781-G-T.
Other names: short protein forms S259*.
Identifiers: ClinVar variation 1526164 (VCV001526164.2), dbSNP rs1199919814, ClinGen allele CA404850958.

ClinVar aggregate classification (germline): Pathogenic (1 of 4 stars; one submission).

Conditions:
Cold-induced sweating syndrome 1 (CISS1). Also called: CRISPONI/COLD-INDUCED SWEATING SYNDROME 1; CRLF1-Related Cold-Induced Sweating Syndrome including Crisponi Syndrome; MUSCLE CONTRACTIONS, TETANOFORM, WITH CHARACTERISTIC FACE, CAMPTODACTYLY, HYPERTHERMIA, AND SUDDEN DEATH; Crisponi syndrome. Identifiers: Orphanet 1545, Orphanet 157820, MedGen C1848947, MONDO:0010091, OMIM 272430.

Submission:

3billion
Classification: Pathogenic for Cold-induced sweating syndrome 1. Last evaluated: 2022-03-22. Review status: criteria provided, single submitter. Criteria: ACMG Guidelines, 2015. Collection method: clinical testing. Allele origin: germline. Affected: yes. Observed: 1 homozygote.
Comment: Stop-gained (nonsense): predicted to result in a loss or disruption of normal protein function through nonsense-mediated decay (NMD) or protein truncation. Multiple pathogenic variants are reported downstream of the variant. This variant has been reported to be associated with CRLF1 related disorder (PMID:24488861). It is not observed in the gnomAD v2.1.1 dataset. Therefore, this variant is classified as pathogenic according to the recommendation of ACMG/AMP guideline.

Literature cited by the submitters: PubMed 24488861.